The following is an entry in ClinVar:

ClinVar aggregate classification (germline): Uncertain significance (1 of 4 stars; one submission).

Conditions:
Primary ciliary dyskinesia 16. Also called: CILIARY DYSKINESIA, PRIMARY, 16, WITH OR WITHOUT SITUS INVERSUS. Identifiers: Orphanet 244, MedGen C3151460, MONDO:0013525, OMIM 614017.

Submission:

Labcorp Genetics (formerly Invitae), Labcorp
Classification: Uncertain significance for Primary ciliary dyskinesia 16. Last evaluated: 2020-01-29. Review status: criteria provided, single submitter. Criteria: Invitae Variant Classification Sherloc (09022015). Collection method: clinical testing. Allele origin: germline.
Comment: In summary, the available evidence is currently insufficient to determine the role of this variant in disease. Therefore, it has been classified as a Variant of Uncertain Significance. Algorithms developed to predict the effect of missense changes on protein structure and function are either unavailable or do not agree on the potential impact of this missense change (SIFT: "Deleterious"; PolyPhen-2: "Probably Damaging"; Align-GVGD: "Class C0"). This sequence change replaces aspartic acid with glycine at codon 177 of the DNAL1 protein (p.Asp177Gly). The aspartic acid residue is highly conserved and there is a moderate physicochemical difference between aspartic acid and glycine. This variant is not present in population databases (ExAC no frequency).

NM_031427.4(DNAL1):c.530A>G (p.Asp177Gly)

Gene: DNAL1 (dynein axonemal light chain 1; plus strand). Cytogenetic location: 14q24.3.
Variant type: single nucleotide variant.
Coding change: c.530A>G on transcript NM_031427.4 (MANE Select); coding-DNA position 530, A replaced by G.
Protein change: p.Asp177Gly; replaces aspartic acid 177 with glycine.
Molecular consequence: missense variant.
Genome position (GRCh38, 1-based): chr14:73,689,513, A>G. VCF-style: chr14-73689513-A-G. GRCh37 (hg19) VCF-style: chr14-74156216-A-G.
Other names: c.413A>G, p.Asp138Gly (NM_001201366.2); short protein forms D138G, D177G.
Identifiers: ClinVar variation 1004436 (VCV001004436.9), dbSNP rs1892115500, ClinGen allele CA390334590.